The following is an entry in ClinVar:

NM_000070.3(CAPN3):c.1561C>T (p.Gln521Ter)

Gene: CAPN3 (calpain 3; plus strand). Cytogenetic location: 15q15.1.
Variant type: single nucleotide variant.
Coding change: c.1561C>T on transcript NM_000070.3 (MANE Select); coding-DNA position 1561, C replaced by T.
Protein change: p.Gln521Ter; replaces glutamine 521 with a stop codon.
Molecular consequence: nonsense.
Genome position (GRCh38, 1-based): chr15:42,402,818, C>T. VCF-style: chr15-42402818-C-T. GRCh37 (hg19) VCF-style: chr15-42695016-C-T.
Other names: c.1561C>T, p.Gln521Ter (NM_024344.2); c.1417C>T, p.Gln473Ter (NM_173087.2); c.25C>T, p.Gln9Ter (NM_173088.2); short protein forms Q521*, Q473*, Q9*.
Identifiers: ClinVar variation 970519 (VCV000970519.8), dbSNP rs2053910936, ClinGen allele CA392000126.

ClinVar aggregate classification (germline): Pathogenic. Review status: criteria provided, multiple submitters, no conflicts (2 of 4 stars). 4 submissions from 4 submitters: Pathogenic (4). Last evaluated 2025-09-10.

Conditions:
Muscular dystrophy, limb-girdle, autosomal dominant 4. Also called: Calpain-3-related limb-girdle muscular dystrophy D4; MUSCULAR DYSTROPHY, LIMB-GIRDLE, TYPE 1I. Identifiers: Orphanet 565909, MedGen C4748295, MONDO:0029133, OMIM 618129.
Autosomal recessive limb-girdle muscular dystrophy type 2A (LGMDR1). Also called: LEYDEN-MOEBIUS MUSCULAR DYSTROPHY; MUSCULAR DYSTROPHY, PELVOFEMORAL; Limb-girdle muscular dystrophy, type 2A; Muscular dystrophy, limb-girdle, type 2A, Amish; Calpainopathy. Identifiers: Orphanet 267, MedGen C1869123, MONDO:0009675, OMIM 253600. Disease mechanism: loss of function.

Submissions (4):

Genomic Medicine Center of Excellence, King Faisal Specialist Hospital and Research Centre
Classification: Pathogenic for Autosomal recessive limb-girdle muscular dystrophy type 2A. Last evaluated: 2025-09-10. Review status: criteria provided, single submitter. Criteria: ACMG Guidelines, 2015. Collection method: clinical testing. Allele origin: germline.

3billion
Classification: Pathogenic for Autosomal recessive limb-girdle muscular dystrophy type 2A. Last evaluated: 2025-01-07. Review status: criteria provided, single submitter. Criteria: ACMG Guidelines, 2015. Collection method: clinical testing. Allele origin: germline. Affected: yes.
Comment: The variant is not observed in the gnomAD v4.1.0 dataset. Predicted Consequence/Location: Stop-gained (nonsense): predicted to result in a loss or disruption of normal protein function through nonsense-mediated decay (NMD) or protein truncation. Multiple pathogenic variants are reported downstream of the variant. The variant has been reported at least twice as pathogenic with clinical assertions and evidence for the classification (ClinVar ID: VCV000970519 /PMID: 28403181 /3billion dataset). Therefore, this variant is classified as Pathogenic according to the recommendation of ACMG/AMP guideline.

Labcorp Genetics (formerly Invitae), Labcorp
Classification: Pathogenic for Autosomal recessive limb-girdle muscular dystrophy type 2A. Last evaluated: 2024-10-07. Review status: criteria provided, single submitter. Criteria: Invitae Variant Classification Sherloc (09022015). Collection method: clinical testing. Allele origin: germline.
Comment: This sequence change creates a premature translational stop signal (p.Gln521*) in the CAPN3 gene. It is expected to result in an absent or disrupted protein product. Loss-of-function variants in CAPN3 are known to be pathogenic (PMID: 10330340, 15689361). This variant is not present in population databases (gnomAD no frequency). This premature translational stop signal has been observed in individuals with limb-girdle muscular dystrophy (PMID: 28403181). ClinVar contains an entry for this variant (Variation ID: 970519). For these reasons, this variant has been classified as Pathogenic.

Baylor Genetics
Classification: Pathogenic for Muscular dystrophy, limb-girdle, autosomal dominant 4. Last evaluated: 2023-01-26. Review status: criteria provided, single submitter. Criteria: ACMG Guidelines, 2015. Collection method: clinical testing. Allele origin: unknown.

Literature cited by the submitters: PubMed 28403181 (cited by 3billion and Labcorp Genetics (formerly Invitae), Labcorp); PubMed 10330340 (cited by Labcorp Genetics (formerly Invitae), Labcorp); PubMed 15689361 (cited by Labcorp Genetics (formerly Invitae), Labcorp).